The following is an entry in ClinVar:

NM_001322101.2(CENPO):c.695C>T (p.Pro232Leu)

Gene: CENPO (centromere protein O; plus strand). Cytogenetic location: 2p23.3.
Variant type: single nucleotide variant.
Coding change: c.695C>T on transcript NM_001322101.2 (MANE Select); coding-DNA position 695, C replaced by T.
Protein change: p.Pro232Leu; replaces proline 232 with leucine.
Molecular consequence: missense variant. On other transcripts: non-coding transcript variant (3).
Genome position (GRCh38, 1-based): chr2:24,816,746, C>T. VCF-style: chr2-24816746-C-T. GRCh37 (hg19) VCF-style: chr2-25039615-C-T.
Other names: c.677C>T, p.Pro226Leu (NM_001199803.3); c.695C>T, p.Pro232Leu (NM_024322.4); short protein forms P226L, P232L.
Identifiers: ClinVar variation 4083667 (VCV004083667.8).

ClinVar aggregate classification (germline): Likely benign (1 of 4 stars; one submission).

gnomAD v4.1: 1,924 of 1,612,526 alleles (0.12%); highest among the groups gnomAD compares: Middle Eastern, 1%; 11 homozygotes.

Submission:

CeGaT Center for Human Genetics Tuebingen
Classification: Likely benign. Last evaluated: 2025-08-01. Review status: criteria provided, single submitter. Criteria: CeGaT Center For Human Genetics Tuebingen Variant Classification Criteria Version 2. Collection method: clinical testing. Allele origin: germline. Affected: yes. Observed: 1 variant allele.
Comment: CENPO: BP4, BS2